The following is an entry in ClinVar:

NM_006267.5(RANBP2):c.8678T>C (p.Val2893Ala)

Gene: RANBP2 (RAN binding protein 2; plus strand). Cytogenetic location: 2q13.
Variant type: single nucleotide variant.
Coding change: c.8678T>C on transcript NM_006267.5 (MANE Select); coding-DNA position 8678, T replaced by C.
Protein change: p.Val2893Ala; replaces valine 2893 with alanine.
Molecular consequence: missense variant.
Genome position (GRCh38, 1-based): chr2:108,781,347, T>C. VCF-style: chr2-108781347-T-C. GRCh37 (hg19) VCF-style: chr2-109397803-T-C.
Other names: c.8756T>C, p.Val2919Ala (NM_001415871.1); c.8675T>C, p.Val2892Ala (NM_001415872.1); c.8702T>C, p.Val2901Ala (NM_001415873.1); short protein forms V2892A, V2893A, V2901A, V2919A.
Identifiers: ClinVar variation 2631750 (VCV002631750.1), dbSNP rs1558941396, ClinGen allele CA348084176.

ClinVar aggregate classification (germline): Uncertain significance (1 of 4 stars; one submission).

Conditions:
RANBP2-related disorder. Also called: RANBP2-related condition.

Allele frequency attached by ClinVar (database versions not stated): gnomAD exomes below 0.00001.
gnomAD v4.1: 4 of 1,614,116 alleles (0.00025%); highest among the groups gnomAD compares: Non-Finnish European, 0.00034%; no homozygotes.

Submission:

PreventionGenetics, part of Exact Sciences
Classification: Uncertain significance for RANBP2-related condition. Last evaluated: 2023-07-06. Review status: criteria provided, single submitter. Criteria: ACMG Guidelines, 2015. Collection method: clinical testing. Allele origin: germline.
Comment: The RANBP2 c.8678T>C variant is predicted to result in the amino acid substitution p.Val2893Ala. To our knowledge, this variant has not been reported in the literature or in a large population database, indicating this variant is rare. At this time, the clinical significance of this variant is uncertain due to the absence of conclusive functional and genetic evidence.